The following is an entry in ClinVar:

ClinVar aggregate classification (germline): Uncertain significance. Review status: criteria provided, multiple submitters, no conflicts (2 of 4 stars). 2 submissions from 2 submitters: Uncertain significance (2). Last evaluated 2024-07-08.

Conditions:
Inborn genetic diseases. Identifiers: MedGen C0950123, MeSH D030342.

Allele frequency attached by ClinVar (database versions not stated): ExAC 0.00001; gnomAD 0.00001; TOPMed 0.00003.
gnomAD v4.1: 11 of 1,611,106 alleles (0.00068%); highest among the groups gnomAD compares: Admixed American, 0.01%; no homozygotes.

Submissions (2):

Women's Health and Genetics/Laboratory Corporation of America, LabCorp
Classification: Uncertain significance. Last evaluated: 2024-07-08. Review status: criteria provided, single submitter. Criteria: LabCorp Variant Classification Summary - May 2015. Collection method: clinical testing. Allele origin: germline.
Comment: Variant summary: NDUFS7 c.29G>A (p.Arg10His) results in a non-conservative amino acid change in the encoded protein sequence. Four of five in-silico tools predict a benign effect of the variant on protein function. The variant allele was found at a frequency of 1.2e-05 in 248156 control chromosomes. The available data on variant occurrences in the general population are insufficient to allow any conclusion about variant significance. To our knowledge, no occurrence of c.29G>A in individuals affected with Leigh Syndrome and no experimental evidence demonstrating its impact on protein function have been reported. ClinVar contains an entry for this variant (Variation ID: 2376753). Based on the evidence outlined above, the variant was classified as uncertain significance.

Ambry Genetics
Classification: Uncertain significance for Inborn genetic diseases. Last evaluated: 2022-06-29. Review status: criteria provided, single submitter. Criteria: Ambry Variant Classification Scheme 2023. Collection method: clinical testing. Allele origin: germline.

NM_024407.5(NDUFS7):c.29G>A (p.Arg10His)

Gene: NDUFS7 (NADH:ubiquinone oxidoreductase core subunit S7; plus strand). Cytogenetic location: 19p13.3.
Variant type: single nucleotide variant.
Coding change: c.29G>A on transcript NM_024407.5 (MANE Select); coding-DNA position 29, G replaced by A.
Protein change: p.Arg10His; replaces arginine 10 with histidine.
Molecular consequence: missense variant.
Genome position (GRCh38, 1-based): chr19:1,387,823, G>A. VCF-style: chr19-1387823-G-A. GRCh37 (hg19) VCF-style: chr19-1387822-G-A.
Other names: c.29G>A, p.Arg10His (NM_001363602.2); short protein forms R10H.
Identifiers: ClinVar variation 2376753 (VCV002376753.3), dbSNP rs778260862, ClinGen allele CA9043019.